The following is an entry in ClinVar:

ClinVar aggregate classification (germline): Likely benign (0 of 4 stars; one submission).

Conditions:
DYRK1B-related disorder. Also called: DYRK1B-related condition.

Submission:

PreventionGenetics, part of Exact Sciences
Classification: Likely benign for DYRK1B-related condition. Last evaluated: 2024-03-15. Review status: no assertion criteria provided. Collection method: clinical testing. Allele origin: germline.
Comment: This variant is classified as likely benign based on ACMG/AMP sequence variant interpretation guidelines (Richards et al. 2015 PMID: 25741868, with internal and published modifications).

NM_004714.3(DYRK1B):c.630G>A (p.Ser210=)

Gene: DYRK1B (dual specificity tyrosine phosphorylation regulated kinase 1B; minus strand). Cytogenetic location: 19q13.2.
Variant type: single nucleotide variant.
Coding change: c.630G>A on transcript NM_004714.3 (MANE Select); coding-DNA position 630, G replaced by A.
Protein change: p.Ser210=; no amino-acid change (serine 210 retained).
Molecular consequence: synonymous variant.
Genome position (GRCh38, 1-based): chr19:39,828,474, C>T on the plus strand (G>A on the coding strand, the complement: DYRK1B is on the minus strand). VCF-style: chr19-39828474-C-T. GRCh37 (hg19) VCF-style: chr19-40319114-C-T.
Other names: c.630G>A, p.Ser210= (NM_006483.3, NM_006484.3).
Identifiers: ClinVar variation 3352675 (VCV003352675.1).